The following is an entry in ClinVar:

ClinVar aggregate classification (germline): Uncertain significance (1 of 4 stars; one submission).

Conditions:
Epileptic encephalopathy. Identifiers: MedGen C0543888, HP:0200134.

Allele frequency attached by ClinVar (database versions not stated): gnomAD 0.00010; TOPMed 0.00010.
gnomAD v4.1: 262 of 1,612,590 alleles (0.016%); highest among the groups gnomAD compares: Non-Finnish European, 0.02%; no homozygotes.

Submission:

Labcorp Genetics (formerly Invitae), Labcorp
Classification: Uncertain significance for Epileptic encephalopathy. Last evaluated: 2025-12-13. Review status: criteria provided, single submitter. Criteria: Invitae Variant Classification Sherloc (09022015). Collection method: clinical testing. Allele origin: germline.
Comment: This sequence change replaces arginine, which is basic and polar, with glutamine, which is neutral and polar, at codon 1819 of the FASN protein (p.Arg1819Gln). This variant is present in population databases (rs200377258, gnomAD 0.02%). This variant has not been reported in the literature in individuals affected with FASN-related conditions. ClinVar contains an entry for this variant (Variation ID: 645224). An algorithm developed to predict the effect of missense changes on protein structure and function outputs the following: PolyPhen-2: "Benign". The glutamine amino acid residue is found in multiple mammalian species, which suggests that this missense change does not adversely affect protein function. In summary, the available evidence is currently insufficient to determine the role of this variant in disease. Therefore, it has been classified as a Variant of Uncertain Significance.

NM_004104.5(FASN):c.5456G>A (p.Arg1819Gln)

Gene: FASN (fatty acid synthase; minus strand). Cytogenetic location: 17q25.3.
Variant type: single nucleotide variant.
Coding change: c.5456G>A on transcript NM_004104.5 (MANE Select); coding-DNA position 5456, G replaced by A.
Protein change: p.Arg1819Gln; replaces arginine 1819 with glutamine.
Molecular consequence: missense variant.
Genome position (GRCh38, 1-based): chr17:82,083,311, C>T on the plus strand (G>A on the coding strand, the complement: FASN is on the minus strand). VCF-style: chr17-82083311-C-T. GRCh37 (hg19) VCF-style: chr17-80041187-C-T.
Other names: short protein forms R1819Q.
Identifiers: ClinVar variation 645224 (VCV000645224.10), dbSNP rs200377258, ClinGen allele CA8851681.
Genomic context (GRCh38, chr17:82,083,311, plus strand): 5'-GCGTCCTCCACCTGGGCCCCATGGAACACCGTGCACTTGAGGGGCCGTACCACCCCATCC[C>T]GGATGCCGGCCTGCACAAGCGCCCACACCTCCCGCCAGTCAGCACTGCTCTCGTTGAAGA-3'
Protein context (NP_004095.4, residues 1809-1829): EVWALVQAGI[Arg1819Gln]DGVVRPLKCT